The following is an entry in ClinVar:

NM_144672.4(OTOA):c.1026T>A (p.Asp342Glu)

Gene: OTOA (otoancorin). Cytogenetic location: 16p12.2.
Variant type: single nucleotide variant.
Coding change: c.1026T>A on transcript NM_144672.4 (MANE Select); coding-DNA position 1026, T replaced by A.
Protein change: p.Asp342Glu; replaces aspartic acid 342 with glutamic acid.
Molecular consequence: missense variant.
Genome position (GRCh38, 1-based): chr16:21,705,214, T>A. VCF-style: chr16-21705214-T-A. GRCh37 (hg19) VCF-style: chr16-21716535-T-A.
Other names: c.789T>A, p.Asp263Glu (NM_001161683.2); c.54T>A, p.Asp18Glu (NM_170664.3); short protein forms D18E, D263E, D342E.
Identifiers: ClinVar variation 1804351 (VCV001804351.1), dbSNP rs749270731, ClinGen allele CA7952523.
Genomic context (GRCh38, chr16:21,705,214, plus strand): 5'-CCTCTTCTCACACAGGCTGGGGCTGCTGGTTTGTTTCTACAATGACCTGGAATTGCTGGA[T>A]GCCACTGTGGCTCAAGTCCTGCTTTACCAGATGATCAAGTGCAGCCACCTGAGGGGCTTC-3'
Protein context (NP_653273.3, residues 332-352): VCFYNDLELL[Asp342Glu]ATVAQVLLYQ

ClinVar aggregate classification (germline): Uncertain significance (1 of 4 stars; one submission).

Allele frequency attached by ClinVar (database versions not stated): gnomAD exomes below 0.00001; ExAC 0.00001.
gnomAD v4.1: 2 of 1,614,166 alleles (0.00012%); highest among the groups gnomAD compares: Admixed American, 0.0017%; no homozygotes.

Submission:

GeneDx
Classification: Uncertain significance. Last evaluated: 2022-06-13. Review status: criteria provided, single submitter. Criteria: GeneDx Variant Classification Process June 2021. Collection method: clinical testing. Allele origin: germline. Affected: yes.
Comment: Not observed at significant frequency in large population cohorts (gnomAD); In silico analysis supports that this missense variant does not alter protein structure/function; Has not been previously published as pathogenic or benign to our knowledge